The following is an entry in ClinVar:

NM_001854.4(COL11A1):c.2453_2454delinsAT (p.Arg818His)

Gene: COL11A1 (collagen type XI alpha 1 chain; minus strand). Cytogenetic location: 1p21.1.
Variant type: Indel.
Coding change: c.2453_2454delinsAT on transcript NM_001854.4 (MANE Select); coding-DNA positions 2453 to 2454, GA replaced by AT.
Protein change: p.Arg818His; replaces arginine 818 with histidine.
Molecular consequence: missense variant. On other transcripts: non-coding transcript variant (1).
Genome position (GRCh38, 1-based): chr1:102,987,681-102,987,682, TC replaced by AT on the plus strand (GA replaced by AT on the coding strand, the reverse complement: COL11A1 is on the minus strand). VCF-style: chr1-102987681-TC-AT. GRCh37 (hg19) VCF-style: chr1-103453237-TC-AT.
Other names: c.2105_2106delGAinsAT, p.Arg702His (NM_001168249.1); c.2336_2337delinsAT, p.Arg779His (NM_001190709.2); c.2489_2490delinsAT, p.Arg830His (NM_080629.3); c.2105_2106delinsAT, p.Arg702His (NM_080630.4); short protein forms R779H, R818H, R702H, R830H.
Identifiers: ClinVar variation 2818164 (VCV002818164.3), dbSNP rs2525205247, ClinGen allele CA2739275161.

ClinVar aggregate classification (germline): Uncertain significance (1 of 4 stars; one submission).

Submission:

Labcorp Genetics (formerly Invitae), Labcorp
Classification: Uncertain significance. Last evaluated: 2022-12-03. Review status: criteria provided, single submitter. Criteria: Invitae Variant Classification Sherloc (09022015). Collection method: clinical testing. Allele origin: germline.
Comment: In summary, the available evidence is currently insufficient to determine the role of this variant in disease. Therefore, it has been classified as a Variant of Uncertain Significance. Experimental studies and prediction algorithms are not available or were not evaluated, and the functional significance of this variant is currently unknown. This variant has not been reported in the literature in individuals affected with COL11A1-related conditions. This variant is present in population databases (no rsID available, gnomAD 0.04%). This sequence change replaces arginine, which is basic and polar, with histidine, which is basic and polar, at codon 818 of the COL11A1 protein (p.Arg818His).